The following is an entry in ClinVar:

NM_001482.3(GATM):c.654G>A (p.Met218Ile)

Gene: GATM (glycine amidinotransferase; minus strand). Cytogenetic location: 15q21.1.
Variant type: single nucleotide variant.
Coding change: c.654G>A on transcript NM_001482.3 (MANE Select); coding-DNA position 654, G replaced by A.
Protein change: p.Met218Ile; replaces methionine 218 with isoleucine.
Molecular consequence: missense variant.
Genome position (GRCh38, 1-based): chr15:45,368,091, C>T on the plus strand (G>A on the coding strand, the complement: GATM is on the minus strand). VCF-style: chr15-45368091-C-T. GRCh37 (hg19) VCF-style: chr15-45660289-C-T.
Other names: c.267G>A, p.Met89Ile (NM_001321015.2); short protein forms M218I, M89I.
Identifiers: ClinVar variation 469141 (VCV000469141.10), dbSNP rs1555384217, ClinGen allele CA392260579.

ClinVar aggregate classification (germline): Uncertain significance (1 of 4 stars; one submission).

Conditions:
Arginine:glycine amidinotransferase deficiency (CCDS3). Also called: AGAT deficiency; L-Arginine:Glycine Amidinotransferase Deficiency; Creatine deficiency syndrome due to AGAT deficiency; GATM deficiency; L-Arginine:Glycine Amidinotransferase (AGAT) Deficiency; Cerebral creatine deficiency syndrome 3. Identifiers: Orphanet 35704, MedGen C2675179, MONDO:0012996, OMIM 612718.

Submission:

Labcorp Genetics (formerly Invitae), Labcorp
Classification: Uncertain significance for Arginine:glycine amidinotransferase deficiency. Last evaluated: 2024-11-13. Review status: criteria provided, single submitter. Criteria: Invitae Variant Classification Sherloc (09022015). Collection method: clinical testing. Allele origin: germline.
Comment: This sequence change replaces methionine, which is neutral and non-polar, with isoleucine, which is neutral and non-polar, at codon 218 of the GATM protein (p.Met218Ile). This variant is not present in population databases (gnomAD no frequency). This variant has not been reported in the literature in individuals affected with GATM-related conditions. ClinVar contains an entry for this variant (Variation ID: 469141). Invitae Evidence Modeling of protein sequence and biophysical properties (such as structural, functional, and spatial information, amino acid conservation, physicochemical variation, residue mobility, and thermodynamic stability) indicates that this missense variant is expected to disrupt GATM protein function with a positive predictive value of 95%. In summary, the available evidence is currently insufficient to determine the role of this variant in disease. Therefore, it has been classified as a Variant of Uncertain Significance.